The following is an entry in ClinVar:

ClinVar aggregate classification (germline): Uncertain significance (1 of 4 stars; one submission).

Submission:

Labcorp Genetics (formerly Invitae), Labcorp
Classification: Uncertain significance. Last evaluated: 2021-04-30. Review status: criteria provided, single submitter. Criteria: Invitae Variant Classification Sherloc (09022015). Collection method: clinical testing. Allele origin: germline.
Comment: This variant is not present in population databases (ExAC no frequency). This variant, c.1611_1616del, results in the deletion of 2 amino acid(s) of the EMC1 protein (p.Met538_Val539del), but otherwise preserves the integrity of the reading frame. In summary, the available evidence is currently insufficient to determine the role of this variant in disease. Therefore, it has been classified as a Variant of Uncertain Significance. Experimental studies and prediction algorithms are not available or were not evaluated, and the functional significance of this variant is currently unknown. This variant has not been reported in the literature in individuals with EMC1-related conditions.

NM_015047.3(EMC1):c.1605GATGGT[1] (p.536MV[1])

Genes: EMC1 (ER membrane protein complex subunit 1; minus strand), EMC1-AS1 (EMC1 antisense RNA 1; plus strand). Cytogenetic location: 1p36.13.
Variant type: Microsatellite.
Coding change: c.1605GATGGT[1] on transcript NM_015047.3 (MANE Select); one copy of the 6-base unit GATGGT starting at c.1605; the reference has two copies in a row; one copy, 6 bases deleted.
Protein change: p.536MV[1].
Molecular consequence: inframe deletion.
Genome position (GRCh38, 1-based): chr1:19,232,952-19,232,957, ACCATC deleted on the plus strand (GATGGT on the coding strand, the reverse complement: EMC1 is on the minus strand); deleting any 6 consecutive bases within chr1:19,232,952-19,232,964 gives the same sequence; the position shown is the placement nearest the transcript's 3' end. VCF-style (leftmost placement, unchanged base first): chr1-19232951-TACCATC-T. GRCh37 (hg19) VCF-style: chr1-19559445-TACCATC-T.
Other names: c.1602GATGGT[1], p.535MV[1] (NM_001271427.2, NM_001271428.2); c.1539GATGGT[1], p.514MV[1] (NM_001271429.2); c.1614GATGGT[1], p.539MV[1] (NM_001375820.1); c.1611GATGGT[1], p.538MV[1] (NM_001375821.1).
Identifiers: ClinVar variation 1350167 (VCV001350167.8), dbSNP rs2151949727, ClinGen allele CA2580611422.